The following is an entry in ClinVar:

NM_001005242.3(PKP2):c.130_131delinsCC (p.Ser44Pro)

Gene: PKP2 (plakophilin 2; minus strand). Cytogenetic location: 12p11.21.
Variant type: Indel.
Coding change: c.130_131delinsCC on transcript NM_001005242.3 (MANE Select); coding-DNA positions 130 to 131, AG replaced by CC.
Protein change: p.Ser44Pro; replaces serine 44 with proline.
Molecular consequence: missense variant.
Genome position (GRCh38, 1-based): chr12:32,896,601-32,896,602, CT replaced by GG on the plus strand (AG replaced by CC on the coding strand, the reverse complement: PKP2 is on the minus strand). VCF-style: chr12-32896601-CT-GG. GRCh37 (hg19) VCF-style: chr12-33049535-CT-GG.
Other names: c.130_131delAGinsCC, p.Ser44Pro (NM_001407155.1, NM_001407156.1, NM_001407157.1 and 1 more transcripts); c.-697_-696delAGinsCC (NM_001407158.1, NM_001407162.1); c.-461_-460delAGinsCC (NM_001407159.1, NM_001407160.1); c.130_131delinsCC, p.Ser44Pro (NM_004572.4); short protein forms S44P.
Identifiers: ClinVar variation 1769387 (VCV001769387.5), dbSNP rs2541384544, ClinGen allele CA2580085400.

ClinVar aggregate classification (germline): Uncertain significance. Review status: criteria provided, multiple submitters, no conflicts (2 of 4 stars). 2 submissions from 2 submitters: Uncertain significance (2). Last evaluated 2023-06-07.

Conditions:
Arrhythmogenic right ventricular dysplasia 9 (ARVD9). Also called: Arrhythmogenic Right Ventricular Dysplasia/Cardiomyopathy 9; ARRHYTHMOGENIC RIGHT VENTRICULAR DYSPLASIA, FAMILIAL, 9. Identifiers: MedGen C1836906, MONDO:0012180, OMIM 609040.
Cardiovascular phenotype. Identifiers: MedGen CN230736.

Submissions (2):

Labcorp Genetics (formerly Invitae), Labcorp
Classification: Uncertain significance for Arrhythmogenic right ventricular dysplasia 9. Last evaluated: 2023-06-07. Review status: criteria provided, single submitter. Criteria: Invitae Variant Classification Sherloc (09022015). Collection method: clinical testing. Allele origin: germline.
Comment: In summary, the available evidence is currently insufficient to determine the role of this variant in disease. Therefore, it has been classified as a Variant of Uncertain Significance. An algorithm developed to predict the effect of missense changes on protein structure and function (PolyPhen-2) suggests that this variant is likely to be disruptive. ClinVar contains an entry for this variant (Variation ID: 1769387). This variant has not been reported in the literature in individuals affected with PKP2-related conditions. Information on the frequency of this variant in the gnomAD database is not available, as this variant may be reported differently in the database. This sequence change replaces serine, which is neutral and polar, with proline, which is neutral and non-polar, at codon 44 of the PKP2 protein (p.Ser44Pro).

Ambry Genetics
Classification: Uncertain significance for Cardiovascular phenotype. Last evaluated: 2021-09-02. Review status: criteria provided, single submitter. Criteria: Ambry Variant Classification Scheme 2023. Collection method: clinical testing. Allele origin: germline.
Comment: The c.130_131delAGinsCC variant (also known as p.S44P), located in coding exon 1 of the PKP2 gene, results from an in-frame deletion of AG and insertion of CC at nucleotide positions 130 to 131. This results in the substitution of the serine residue for a proline residue at codon 44, an amino acid with similar properties. This amino acid position is well conserved in available vertebrate species. In addition, this alteration is predicted to be neutral by in silico analysis (Choi Y et al. PLoS ONE. 2012; 7(10):e46688). Since supporting evidence is limited at this time, the clinical significance of this alteration remains unclear.